The following is an entry in ClinVar:

NM_000152.5(GAA):c.993G>A (p.Arg331=)

Gene: GAA (alpha glucosidase; plus strand). Cytogenetic location: 17q25.3.
Variant type: single nucleotide variant.
Coding change: c.993G>A on transcript NM_000152.5 (MANE Select); coding-DNA position 993, G replaced by A.
Protein change: p.Arg331=; no amino-acid change (arginine 331 retained).
Molecular consequence: synonymous variant.
Genome position (GRCh38, 1-based): chr17:80,108,327, G>A. VCF-style: chr17-80108327-G-A. GRCh37 (hg19) VCF-style: chr17-78082126-G-A.
Other names: c.993G>A, p.Arg331= (NM_001079803.3, NM_001079804.3).
Identifiers: ClinVar variation 289912 (VCV000289912.23), dbSNP rs749831587, ClinGen allele CA8815124.

ClinVar aggregate classification (germline): Conflicting classifications of pathogenicity. Review status: criteria provided, conflicting classifications (1 of 4 stars). 4 submissions from 4 submitters: Uncertain significance (2); Likely benign (2). Last evaluated 2025-11-01.

Conditions:
Glycogen storage disease, type II (IOPD). Also called: Acid maltase deficiency disease; Aglucosidase alfa; Deficiency of alpha-glucosidase; Deficiency of lysosomal alpha-glucosidase; POMPE DISEASE, INFANTILE-ONSET; GLYCOGEN STORAGE DISEASE II, INFANTILE-ONSET. Identifiers: Orphanet 365, MedGen C0017921, MONDO:0009290, OMIM 232300.

Allele frequency attached by ClinVar (database versions not stated): gnomAD exomes below 0.00001; ExAC 0.00001; gnomAD 0.00001.

Submissions (4):

CeGaT Center for Human Genetics Tuebingen
Classification: Likely benign. Last evaluated: 2025-11-01. Review status: criteria provided, single submitter. Criteria: CeGaT Center For Human Genetics Tuebingen Variant Classification Criteria Version 2. Collection method: clinical testing. Allele origin: germline. Affected: yes. Observed: 1 variant allele.
Comment: GAA: BP4, BP7

Labcorp Genetics (formerly Invitae), Labcorp
Classification: Likely benign for Glycogen storage disease, type II. Last evaluated: 2025-01-05. Review status: criteria provided, single submitter. Criteria: Invitae Variant Classification Sherloc (09022015). Collection method: clinical testing. Allele origin: germline.

Genome-Nilou Lab
Classification: Uncertain significance for Glycogen storage disease, type II. Last evaluated: 2021-07-22. Review status: criteria provided, single submitter. Criteria: ACMG Guidelines, 2015. Collection method: clinical testing. Allele origin: germline. Affected: no.

Eurofins Ntd Llc (ga)
Classification: Uncertain significance. Last evaluated: 2016-08-12. Review status: criteria provided, single submitter. Criteria: EGL Classification Definitions 2015. Collection method: clinical testing. Allele origin: germline. Observed: 1 variant allele, 1 heterozygote.